The following is an entry in ClinVar:

ClinVar aggregate classification (germline): Likely benign (0 of 4 stars; one submission).

Conditions:
LIPG-related disorder. Also called: LIPG-related condition.

Allele frequency attached by ClinVar (database versions not stated): gnomAD exomes 0.00001; TOPMed 0.00001.
gnomAD v4.1: 5 of 1,614,122 alleles (0.00031%); highest among the groups gnomAD compares: Admixed American, 0.0083%; no homozygotes.

Submission:

PreventionGenetics, part of Exact Sciences
Classification: Likely benign for LIPG-related condition. Last evaluated: 2023-07-13. Review status: no assertion criteria provided. Collection method: clinical testing. Allele origin: germline.
Comment: This variant is classified as likely benign based on ACMG/AMP sequence variant interpretation guidelines (Richards et al. 2015 PMID: 25741868, with internal and published modifications).

NM_006033.4(LIPG):c.1254G>T (p.Gly418=)

Gene: LIPG (lipase G, endothelial type; plus strand). Cytogenetic location: 18q21.1.
Variant type: single nucleotide variant.
Coding change: c.1254G>T on transcript NM_006033.4 (MANE Select); coding-DNA position 1254, G replaced by T.
Protein change: p.Gly418=; no amino-acid change (glycine 418 retained).
Molecular consequence: synonymous variant.
Genome position (GRCh38, 1-based): chr18:49,583,652, G>T. VCF-style: chr18-49583652-G-T. GRCh37 (hg19) VCF-style: chr18-47110022-G-T.
Other names: c.1032G>T, p.Gly344= (NM_001308006.2).
Identifiers: ClinVar variation 3061350 (VCV003061350.2), dbSNP rs1245534374, ClinGen allele CA503856034.